The following is an entry in ClinVar:

NM_022168.4(IFIH1):c.2893G>A (p.Gly965Ser)

Gene: IFIH1 (interferon induced with helicase C domain 1; minus strand). Cytogenetic location: 2q24.2.
Variant type: single nucleotide variant.
Coding change: c.2893G>A on transcript NM_022168.4 (MANE Select); coding-DNA position 2893, G replaced by A.
Protein change: p.Gly965Ser; replaces glycine 965 with serine.
Molecular consequence: missense variant.
Genome position (GRCh38, 1-based): chr2:162,267,484, C>T on the plus strand (G>A on the coding strand, the complement: IFIH1 is on the minus strand). VCF-style: chr2-162267484-C-T. GRCh37 (hg19) VCF-style: chr2-163123994-C-T.
Other names: c.2893G>A, p.Gly965Ser (LRG_1235t1); short protein forms G965S.
Identifiers: ClinVar variation 579785 (VCV000579785.51), dbSNP rs202009944, ClinGen allele CA1934045.
Genomic context (GRCh38, chr2:162,267,484, plus strand): 5'-CAATTAAACATTCCTGTTGGCTAAAGTAAAATCTGGCCCACAGCAATTTACTCACCTGGC[C>T]ACATTTGCAGATGATTTCACCATTTATTTGATAGTCGGCACACTTCTTTTGCAGTGCTTT-3'
Protein context (NP_071451.2, residues 955-975): QINGEIICKC[Gly965Ser]QAWGTMMVHK

ClinVar aggregate classification (germline): Conflicting classifications of pathogenicity. Review status: criteria provided, conflicting classifications (1 of 4 stars). 2 submissions from 2 submitters: Uncertain significance (1); Likely benign (1). Last evaluated 2026-01-25.

Conditions:
Aicardi-Goutieres syndrome 7 (AGS7). Identifiers: Orphanet 51, MedGen C3888244, MONDO:0014367, OMIM 615846.
Singleton-Merten syndrome 1 (SGMRT1). Also called: Widened medullary cavities of bone, aortic calcification, abnormal dentition, and muscular weakness; Syndrome of widened medullary cavities of the metacarpals and phalanges, aortic calcification and abnormal dentition. Identifiers: Orphanet 85191, MedGen C4225427, MONDO:0024535, OMIM 182250.

Allele frequency attached by ClinVar (database versions not stated): gnomAD 0.00006 and 0.00009; ExAC 0.00008; gnomAD exomes 0.00010 and 0.00011; TOPMed 0.00019; ESP Exome Variant Server 0.00023.
gnomAD v4.1: 179 of 1,613,512 alleles (0.011%); highest among the groups gnomAD compares: Non-Finnish European, 0.014%; no homozygotes.

Submissions (2):

Labcorp Genetics (formerly Invitae), Labcorp
Classification: Likely benign for Aicardi-Goutieres syndrome 7; Singleton-Merten syndrome 1. Last evaluated: 2026-01-25. Review status: criteria provided, single submitter. Criteria: Invitae Variant Classification Sherloc (09022015). Collection method: clinical testing. Allele origin: germline.

CeGaT Center for Human Genetics Tuebingen
Classification: Uncertain significance. Last evaluated: 2023-10-01. Review status: criteria provided, single submitter. Criteria: CeGaT Center For Human Genetics Tuebingen Variant Classification Criteria Version 2. Collection method: clinical testing. Allele origin: germline. Affected: yes. Observed: 3 variant alleles.